The following is an entry in ClinVar:

ClinVar aggregate classification (germline): Likely pathogenic. Review status: criteria provided, multiple submitters, no conflicts (2 of 4 stars). 2 submissions from 2 submitters: Likely pathogenic (2). Last evaluated 2022-01-31.

Conditions:
EYS-related disorder. Also called: EYS-related condition.
Retinitis pigmentosa 25 (RP25). Identifiers: Orphanet 791, MedGen C1864446, MONDO:0011272, OMIM 602772.

Submissions (2):

Blueprint Genetics
Classification: Likely pathogenic for EYS-related disorders. Last evaluated: 2022-01-31. Review status: criteria provided, single submitter. Criteria: ACMG Guidelines, 2015. Collection method: clinical testing. Allele origin: germline. Affected: yes. Observed: 1 variant allele.

Ocular Genomics Institute, Massachusetts Eye and Ear
Classification: Likely pathogenic for Retinitis pigmentosa 25. Last evaluated: 2021-04-08. Review status: criteria provided, single submitter. Criteria: ACMG Guidelines, 2015. Collection method: research. Allele origin: germline. Affected: yes.
Comment: Through a review of available evidence we were able to apply the following criteria: PVS1, PM2. Based on this evidence we have classified this variant as Likely Pathogenic.

NM_001142800.2(EYS):c.7797_7800del (p.His2599fs)

Gene: EYS (EGF-like photoreceptor maintenance factor; minus strand). Cytogenetic location: 6q12.
Variant type: Deletion.
Coding change: c.7797_7800del on transcript NM_001142800.2 (MANE Select); coding-DNA positions 7797 to 7800, 4 bases deleted (CCCA; older notation c.7797_7800delCCCA).
Protein change: p.His2599fs; shifts the reading frame from histidine 2599.
Molecular consequence: frameshift variant.
Genome position (GRCh38, 1-based): chr6:63,778,104-63,778,107, TGGG deleted on the plus strand (CCCA on the coding strand, the reverse complement: EYS is on the minus strand); deleting any 4 consecutive bases within chr6:63,778,104-63,778,110 gives the same sequence; the c. name uses the placement nearest the transcript's 3' end. VCF-style (leftmost placement, unchanged base first): chr6-63778103-TTGGG-T. GRCh37 (hg19) VCF-style: chr6-64487996-TTGGG-T.
Other names: c.7797_7800del, p.His2599fs (NM_001292009.2); short protein forms H2599fs.
Identifiers: ClinVar variation 1065751 (VCV001065751.2), dbSNP rs2149664330, ClinGen allele CA2499218435.